The following is an entry in ClinVar:

NM_001353214.3(DYM):c.163G>A (p.Glu55Lys)

Gene: DYM (dymeclin; minus strand). Cytogenetic location: 18q21.1.
Variant type: single nucleotide variant.
Coding change: c.163G>A on transcript NM_001353214.3 (MANE Select); coding-DNA position 163, G replaced by A.
Protein change: p.Glu55Lys; replaces glutamic acid 55 with lysine.
Molecular consequence: missense variant.
Genome position (GRCh38, 1-based): chr18:49,391,623, C>T on the plus strand (G>A on the coding strand, the complement: DYM is on the minus strand). VCF-style: chr18-49391623-C-T. GRCh37 (hg19) VCF-style: chr18-46917993-C-T.
Other names: c.163G>A, p.Glu55Lys (NM_001353210.3, NM_001353213.3, NM_001353215.3 and 17 more transcripts); c.160G>A, p.Glu54Lys (NM_001353211.3, NM_001353212.3, NM_001374429.1 and 1 more transcripts); short protein forms E54K, E55K.
Identifiers: ClinVar variation 1524528 (VCV001524528.6), dbSNP rs1455969623, ClinGen allele CA402414903.
Genomic context (GRCh38, chr18:49,391,623, plus strand): 5'-CAACACCCCACACACATTTTTCCCACTTACCTAATGACCTGCAGACTGAAATGGTTGCTT[C>T]CTCCAAGAGTTTCAACTCACTACTGGAGAGACAGAAGAATAAAGGTAATTAATGACTATA-3'
Protein context (NP_001340143.1, residues 45-65): TSSSELKLLE[Glu55Lys]ATISVCRSLV

ClinVar aggregate classification (germline): Uncertain significance (1 of 4 stars; one submission).

Submission:

Labcorp Genetics (formerly Invitae), Labcorp
Classification: Uncertain significance. Last evaluated: 2021-10-21. Review status: criteria provided, single submitter. Criteria: Invitae Variant Classification Sherloc (09022015). Collection method: clinical testing. Allele origin: germline.
Comment: Algorithms developed to predict the effect of missense changes on protein structure and function are either unavailable or do not agree on the potential impact of this missense change (SIFT: "Tolerated"; PolyPhen-2: "Possibly Damaging"; Align-GVGD: "Class C0"). This variant has not been reported in the literature in individuals affected with DYM-related conditions. This variant is not present in population databases (gnomAD no frequency). This sequence change replaces glutamic acid, which is acidic and polar, with lysine, which is basic and polar, at codon 55 of the DYM protein (p.Glu55Lys). In summary, the available evidence is currently insufficient to determine the role of this variant in disease. Therefore, it has been classified as a Variant of Uncertain Significance.